The following is an entry in ClinVar:

ClinVar aggregate classification (germline): Uncertain significance. Review status: criteria provided, multiple submitters, no conflicts (2 of 4 stars). 2 submissions from 2 submitters: Uncertain significance (2). Last evaluated 2025-10-05.

Conditions:
Inborn genetic diseases. Identifiers: MedGen C0950123, MeSH D030342.

Submissions (2):

Labcorp Genetics (formerly Invitae), Labcorp
Classification: Uncertain significance. Last evaluated: 2025-10-05. Review status: criteria provided, single submitter. Criteria: Invitae Variant Classification Sherloc (09022015). Collection method: clinical testing. Allele origin: germline.
Comment: This sequence change replaces proline, which is neutral and non-polar, with serine, which is neutral and polar, at codon 3311 of the ASPM protein (p.Pro3311Ser). This variant is present in population databases (no rsID available, gnomAD 0.0009%). This variant has not been reported in the literature in individuals affected with ASPM-related conditions. ClinVar contains an entry for this variant (Variation ID: 3318697). An algorithm developed to predict the effect of missense changes on protein structure and function (PolyPhen-2) suggests that this variant is likely to be disruptive. In summary, the available evidence is currently insufficient to determine the role of this variant in disease. Therefore, it has been classified as a Variant of Uncertain Significance.

Ambry Genetics
Classification: Uncertain significance for Inborn genetic diseases. Last evaluated: 2024-05-14. Review status: criteria provided, single submitter. Criteria: Ambry Variant Classification Scheme 2023. Collection method: clinical testing. Allele origin: germline.

NM_018136.5(ASPM):c.9931C>T (p.Pro3311Ser)

Gene: ASPM (assembly factor for spindle microtubules; minus strand). Cytogenetic location: 1q31.3.
Variant type: single nucleotide variant.
Coding change: c.9931C>T on transcript NM_018136.5 (MANE Select); coding-DNA position 9931, C replaced by T.
Protein change: p.Pro3311Ser; replaces proline 3311 with serine.
Molecular consequence: missense variant.
Genome position (GRCh38, 1-based): chr1:197,089,983, G>A on the plus strand (C>T on the coding strand, the complement: ASPM is on the minus strand). VCF-style: chr1-197089983-G-A. GRCh37 (hg19) VCF-style: chr1-197059113-G-A.
Other names: c.5176C>T, p.Pro1726Ser (NM_001206846.2); short protein forms P3311S, P1726S.
Identifiers: ClinVar variation 3318697 (VCV003318697.2).